The following is an entry in ClinVar:

NM_000489.6(ATRX):c.4576G>C (p.Ala1526Pro)

Gene: ATRX (ATRX chromatin remodeler; minus strand). Cytogenetic location: Xq21.1.
Variant type: single nucleotide variant.
Coding change: c.4576G>C on transcript NM_000489.6 (MANE Select); coding-DNA position 4576, G replaced by C.
Protein change: p.Ala1526Pro; replaces alanine 1526 with proline.
Molecular consequence: missense variant.
Genome position (GRCh38, 1-based): chrX:77,636,038, C>G on the plus strand (G>C on the coding strand, the complement: ATRX is on the minus strand). VCF-style: chrX-77636038-C-G. GRCh37 (hg19) VCF-style: chrX-76891529-C-G.
Other names: c.4462G>C, p.Ala1488Pro (NM_138270.5); short protein forms A1488P, A1526P.
Identifiers: ClinVar variation 2707686 (VCV002707686.3), dbSNP rs2148360561, ClinGen allele CA413706017.

ClinVar aggregate classification (germline): Uncertain significance (1 of 4 stars; one submission).

Conditions:
Alpha thalassemia-X-linked intellectual disability syndrome (ATRX). Also called: ALPHA-THALASSEMIA/MENTAL RETARDATION SYNDROME, X-LINKED; ATR, NONDELETION TYPE; ATR-X syndrome; Alpha thalassemia mental retardation syndrome, nondeletion type, X-linked; XLMR hypotonic face syndrome; X-linked alpha-thalassemia-mental retardation syndrome. Identifiers: Orphanet 847, MedGen C1845055, MONDO:0010519, OMIM 301040.

Submission:

Labcorp Genetics (formerly Invitae), Labcorp
Classification: Uncertain significance for Alpha thalassemia-X-linked intellectual disability syndrome. Last evaluated: 2024-01-04. Review status: criteria provided, single submitter. Criteria: Invitae Variant Classification Sherloc (09022015). Collection method: clinical testing. Allele origin: germline.
Comment: This sequence change replaces alanine, which is neutral and non-polar, with proline, which is neutral and non-polar, at codon 1526 of the ATRX protein (p.Ala1526Pro). This variant is not present in population databases (gnomAD no frequency). This variant has not been reported in the literature in individuals affected with ATRX-related conditions. Advanced modeling of protein sequence and biophysical properties (such as structural, functional, and spatial information, amino acid conservation, physicochemical variation, residue mobility, and thermodynamic stability) performed at Invitae indicates that this missense variant is not expected to disrupt ATRX protein function with a negative predictive value of 95%. In summary, the available evidence is currently insufficient to determine the role of this variant in disease. Therefore, it has been classified as a Variant of Uncertain Significance.